The following is an entry in ClinVar:

NC_012920.1(MT-TL1):m.3277G>A

Gene: MT-TL1 (mitochondrially encoded tRNA leucine 1 (UUA/G); plus strand).
Variant type: single nucleotide variant.
Genome position: chrM-3277-G-A.
Identifiers: ClinVar variation 689868 (VCV000689868.1), dbSNP rs386828902, ClinGen allele CA337096477.

ClinVar aggregate classification (germline): Benign (1 of 4 stars; one submission).

Conditions:
MELAS syndrome (MELAS). Also called: Juvenile myopathy, encephalopathy, lactic acidosis, stroke. Identifiers: Orphanet 550, MedGen C0162671, MONDO:0010789, OMIM 540000.

Submission:

Wong Mito Lab, Molecular and Human Genetics, Baylor College of Medicine
Classification: Benign for MELAS syndrome. Last evaluated: 2019-07-12. Review status: criteria provided, single submitter. Criteria: Modified ACMG Guidelines (Unpublished). Collection method: clinical testing. Allele origin: germline.
Comment: The NC_012920.1:m.3277G>A variant in MT-TL1 gene is interpreted to be a Benign variant based on the modified ACMG guidelines (unpublished). This variant meets the following evidence codes reported in the guidelines: BS1, BS4, BP4

Literature cited by the submitters: PubMed 31965079.